The following is an entry in ClinVar:

ClinVar aggregate classification (germline): Uncertain significance (1 of 4 stars; one submission).

Conditions:
Primary ciliary dyskinesia. Also called: Ciliary dyskinesia. Identifiers: Orphanet 244, MedGen C0008780, MONDO:0016575, HP:0012265.

Allele frequency attached by ClinVar (database versions not stated): TOPMed 0.00001; gnomAD 0.00002.
gnomAD v4.1: 25 of 1,603,350 alleles (0.0016%); highest among the groups gnomAD compares: Non-Finnish European, 0.0019%; no homozygotes.

Submission:

Labcorp Genetics (formerly Invitae), Labcorp
Classification: Uncertain significance for Primary ciliary dyskinesia. Last evaluated: 2024-05-22. Review status: criteria provided, single submitter. Criteria: Invitae Variant Classification Sherloc (09022015). Collection method: clinical testing. Allele origin: germline.
Comment: This sequence change replaces valine, which is neutral and non-polar, with phenylalanine, which is neutral and non-polar, at codon 1862 of the DNAH8 protein (p.Val1862Phe). This variant is present in population databases (rs748486865, gnomAD 0.005%). This variant has not been reported in the literature in individuals affected with DNAH8-related conditions. ClinVar contains an entry for this variant (Variation ID: 1975002). Advanced modeling of protein sequence and biophysical properties (such as structural, functional, and spatial information, amino acid conservation, physicochemical variation, residue mobility, and thermodynamic stability) performed at Invitae indicates that this missense variant is not expected to disrupt DNAH8 protein function with a negative predictive value of 80%. In summary, the available evidence is currently insufficient to determine the role of this variant in disease. Therefore, it has been classified as a Variant of Uncertain Significance.

NM_001206927.2(DNAH8):c.5584G>T (p.Val1862Phe)

Gene: DNAH8 (dynein axonemal heavy chain 8; plus strand). Cytogenetic location: 6p21.2.
Variant type: single nucleotide variant.
Coding change: c.5584G>T on transcript NM_001206927.2 (MANE Select); coding-DNA position 5584, G replaced by T.
Protein change: p.Val1862Phe; replaces valine 1862 with phenylalanine.
Molecular consequence: missense variant.
Genome position (GRCh38, 1-based): chr6:38,853,198, G>T. VCF-style: chr6-38853198-G-T. GRCh37 (hg19) VCF-style: chr6-38820974-G-T.
Other names: c.4933G>T, p.Val1645Phe (NM_001371.4); short protein forms V1645F, V1862F.
Identifiers: ClinVar variation 1975002 (VCV001975002.4), dbSNP rs748486865, ClinGen allele CA3789433.